The following is an entry in ClinVar:

ClinVar aggregate classification (germline): Conflicting classifications of pathogenicity. Review status: criteria provided, conflicting classifications (1 of 4 stars). 2 submissions from 2 submitters: Uncertain significance (1); Likely benign (1). Last evaluated 2025-07-30.

Conditions:
Cardiovascular phenotype. Identifiers: MedGen CN230736.
Dilated cardiomyopathy 1JJ (CMD1JJ). Identifiers: Orphanet 154, MedGen C3808935, MONDO:0014095, OMIM 615235.

Allele frequency attached by ClinVar (database versions not stated): TOPMed 0.00004; ExAC 0.00007; gnomAD 0.00001; gnomAD exomes 0.00002.
gnomAD v4.1: 36 of 1,613,932 alleles (0.0022%); highest among the groups gnomAD compares: South Asian, 0.026%; no homozygotes.

Submissions (2):

Labcorp Genetics (formerly Invitae), Labcorp
Classification: Uncertain significance for Dilated cardiomyopathy 1JJ. Last evaluated: 2025-07-30. Review status: criteria provided, single submitter. Criteria: Invitae Variant Classification Sherloc (09022015). Collection method: clinical testing. Allele origin: germline.
Comment: This sequence change replaces arginine, which is basic and polar, with glutamine, which is neutral and polar, at codon 864 of the LAMA4 protein (p.Arg864Gln). This variant is present in population databases (rs782117003, gnomAD 0.03%). This variant has not been reported in the literature in individuals affected with LAMA4-related conditions. ClinVar contains an entry for this variant (Variation ID: 2625028). An algorithm developed to predict the effect of missense changes on protein structure and function outputs the following: PolyPhen-2: "Benign". The glutamine amino acid residue is found in multiple mammalian species, which suggests that this missense change does not adversely affect protein function. In summary, the available evidence is currently insufficient to determine the role of this variant in disease. Therefore, it has been classified as a Variant of Uncertain Significance.

Ambry Genetics
Classification: Likely benign for Cardiovascular phenotype. Last evaluated: 2025-04-25. Review status: criteria provided, single submitter. Criteria: Ambry Variant Classification Scheme 2023. Collection method: clinical testing. Allele origin: germline.

NM_001105206.3(LAMA4):c.2612G>A (p.Arg871Gln)

Gene: LAMA4 (laminin subunit alpha 4; minus strand). Cytogenetic location: 6q21.
Variant type: single nucleotide variant.
Coding change: c.2612G>A on transcript NM_001105206.3 (MANE Select); coding-DNA position 2612, G replaced by A.
Protein change: p.Arg871Gln; replaces arginine 871 with glutamine.
Molecular consequence: missense variant.
Genome position (GRCh38, 1-based): chr6:112,142,174, C>T on the plus strand (G>A on the coding strand, the complement: LAMA4 is on the minus strand). VCF-style: chr6-112142174-C-T. GRCh37 (hg19) VCF-style: chr6-112463376-C-T.
Other names: c.2591G>A, p.Arg864Gln (NM_002290.5, NM_001105207.3); short protein forms R864Q, R871Q.
Identifiers: ClinVar variation 2625028 (VCV002625028.5), dbSNP rs782117003, ClinGen allele CA3965434.